The following is an entry in ClinVar:

ClinVar aggregate classification (germline): Likely benign. Review status: criteria provided, multiple submitters, no conflicts (2 of 4 stars). 3 submissions from 3 submitters: Likely benign (3). Last evaluated 2026-09-24.

Conditions:
TUBB4B-related disorder. Also called: TUBB4B-related condition.

Allele frequency attached by ClinVar (database versions not stated): 1000 Genomes Project 0.00020; 1000 Genomes Project 30x 0.00031.

Submissions (3):

PreventionGenetics, part of Exact Sciences
Classification: Likely benign for TUBB4B-related condition. Last evaluated: 2026-09-24. Review status: criteria provided, single submitter. Criteria: ACMG Guidelines, 2015. Collection method: clinical testing. Allele origin: germline.
Comment: This variant is classified as likely benign based on ACMG/AMP sequence variant interpretation guidelines (Richards et al. 2015 PMID: 25741868, with internal and published modifications).

Labcorp Genetics (formerly Invitae), Labcorp
Classification: Likely benign. Last evaluated: 2024-06-17. Review status: criteria provided, single submitter. Criteria: Invitae Variant Classification Sherloc (09022015). Collection method: clinical testing. Allele origin: germline.

Blueprint Genetics
Classification: Likely benign. Last evaluated: 2022-11-10. Review status: criteria provided, single submitter. Criteria: ACMG Guidelines, 2015. Collection method: clinical testing. Allele origin: germline.

NM_006088.6(TUBB4B):c.1290C>G (p.Ala430=)

Gene: TUBB4B (tubulin beta 4B class IVb; plus strand). Cytogenetic location: 9q34.3.
Variant type: single nucleotide variant.
Coding change: c.1290C>G on transcript NM_006088.6 (MANE Select); coding-DNA position 1290, C replaced by G.
Protein change: p.Ala430=; no amino-acid change (alanine 430 retained).
Molecular consequence: synonymous variant.
Genome position (GRCh38, 1-based): chr9:137,243,508, C>G. VCF-style: chr9-137243508-C-G. GRCh37 (hg19) VCF-style: chr9-140137960-C-G.
Other names: c.1290C>G (NM_006088.5).
Identifiers: ClinVar variation 2885066 (VCV002885066.5), dbSNP rs201737567, ClinGen allele CA5365497.